The following is an entry in ClinVar:

ClinVar aggregate classification (germline): Uncertain significance (1 of 4 stars; one submission).

gnomAD v4.1: 4 of 1,614,134 alleles (0.00025%); highest among the groups gnomAD compares: East Asian, 0.0089%; no homozygotes.

Submission:

GeneDx
Classification: Uncertain significance. Last evaluated: 2025-06-24. Review status: criteria provided, single submitter. Criteria: GeneDx Variant Classification Process June 2021. Collection method: clinical testing. Allele origin: germline. Affected: yes.
Comment: Not observed at significant frequency in large population cohorts (gnomAD); In silico analysis supports that this missense variant has a deleterious effect on protein structure/function; Has not been previously published as pathogenic or benign to our knowledge

NM_001130987.2(DYSF):c.2369C>A (p.Ala790Glu)

Gene: DYSF (dysferlin; plus strand). Cytogenetic location: 2p13.2.
Variant type: single nucleotide variant.
Coding change: c.2369C>A on transcript NM_001130987.2 (MANE Select); coding-DNA position 2369, C replaced by A.
Protein change: p.Ala790Glu; replaces alanine 790 with glutamic acid.
Molecular consequence: missense variant.
Genome position (GRCh38, 1-based): chr2:71,561,904, C>A. VCF-style: chr2-71561904-C-A. GRCh37 (hg19) VCF-style: chr2-71789034-C-A.
Other names: c.2318C>A, p.Ala773Glu (NM_001130455.2, NM_001130983.2); c.2273C>A, p.Ala758Glu (NM_001130976.2, NM_001130977.2); c.2315C>A, p.Ala772Glu (NM_001130978.2, NM_003494.4); c.2408C>A, p.Ala803Glu (NM_001130979.2); c.2366C>A, p.Ala789Glu (NM_001130980.2, NM_001130981.2); c.2411C>A, p.Ala804Glu (NM_001130982.2); c.2276C>A, p.Ala759Glu (NM_001130984.2, NM_001130986.2); c.2369C>A, p.Ala790Glu (NM_001130985.2); short protein forms A758E, A759E, A772E, A773E, A789E, A790E, A803E, A804E.
Identifiers: ClinVar variation 4540137 (VCV004540137.1).